The following is an entry in ClinVar:

ClinVar aggregate classification (germline): Uncertain significance (1 of 4 stars; one submission).

Conditions:
Koolen-de Vries syndrome (KDVS). Identifiers: Orphanet 96169, MedGen C1864871, MONDO:0012496, OMIM 610443.

Allele frequency attached by ClinVar (database versions not stated): gnomAD exomes below 0.00001; gnomAD 0.00001.
gnomAD v4.1: 3 of 1,612,512 alleles (0.00019%); highest among the groups gnomAD compares: Middle Eastern, 0.016%; no homozygotes.

Submission:

Labcorp Genetics (formerly Invitae), Labcorp
Classification: Uncertain significance for Koolen-de Vries syndrome. Last evaluated: 2025-12-03. Review status: criteria provided, single submitter. Criteria: Invitae Variant Classification Sherloc (09022015). Collection method: clinical testing. Allele origin: germline.
Comment: This sequence change replaces histidine, which is basic and polar, with proline, which is neutral and non-polar, at codon 490 of the KANSL1 protein (p.His490Pro). This variant is not present in population databases (gnomAD no frequency). This variant has not been reported in the literature in individuals affected with KANSL1-related conditions. ClinVar contains an entry for this variant (Variation ID: 1062656). Invitae Evidence Modeling of protein sequence and biophysical properties (such as structural, functional, and spatial information, amino acid conservation, physicochemical variation, residue mobility, and thermodynamic stability) indicates that this missense variant is not expected to disrupt KANSL1 protein function with a negative predictive value of 80%. In summary, the available evidence is currently insufficient to determine the role of this variant in disease. Therefore, it has been classified as a Variant of Uncertain Significance.

NM_015443.4(KANSL1):c.1469A>C (p.His490Pro)

Gene: KANSL1 (KAT8 regulatory NSL complex subunit 1). Cytogenetic location: 17q21.31.
Variant type: single nucleotide variant.
Coding change: c.1469A>C on transcript NM_015443.4 (MANE Select); coding-DNA position 1469, A replaced by C.
Protein change: p.His490Pro; replaces histidine 490 with proline.
Molecular consequence: missense variant.
Genome position (GRCh38, 1-based): chr17:46,082,505, T>G on the plus strand (A>C on the coding strand, the complement: KANSL1 is on the minus strand). VCF-style: chr17-46082505-T-G. GRCh37 (hg19) VCF-style: chr17-44159871-T-G.
Other names: c.1469A>C, p.His490Pro (NM_001193465.2, NM_001193466.2, NM_001379198.1); short protein forms H490P.
Identifiers: ClinVar variation 1062656 (VCV001062656.7), dbSNP rs2079022531, ClinGen allele CA399993303.